The following is an entry in ClinVar:

ClinVar aggregate classification (germline): Uncertain significance. Review status: criteria provided, multiple submitters, no conflicts (2 of 4 stars). 3 submissions from 3 submitters: Uncertain significance (3). Last evaluated 2025-12-26.

Conditions:
Inborn genetic diseases. Identifiers: MedGen C0950123, MeSH D030342.
Neuropathy, hereditary sensory and autonomic, type 2A (HSAN2A). Also called: NEUROPATHY, CONGENITAL SENSORY; NEUROPATHY, HEREDITARY SENSORY RADICULAR, AUTOSOMAL RECESSIVE; NEUROPATHY, HEREDITARY SENSORY, TYPE IIA; NEUROPATHY, PROGRESSIVE SENSORY, OF CHILDREN; ACROOSTEOLYSIS, GIACCAI TYPE; ACROOSTEOLYSIS, NEUROGENIC. Identifiers: Orphanet 970, MedGen C2752089, MONDO:0024309, OMIM 201300.
Pseudohypoaldosteronism type 2C (PHA2C). Also called: Pseudohypoaldosteronism Type IIC. Identifiers: Orphanet 757, Orphanet 88940, MedGen C1840391, MONDO:0013778, OMIM 614492.

Allele frequency attached by ClinVar (database versions not stated): ExAC 0.00004; gnomAD exomes 0.00005; gnomAD 0.00041 and 0.00040; TOPMed 0.00037.
gnomAD v4.1: 107 of 1,610,424 alleles (0.0066%); highest among the groups gnomAD compares: African/African-American, 0.077%; no homozygotes.

Submissions (3):

Labcorp Genetics (formerly Invitae), Labcorp
Classification: Uncertain significance for Neuropathy, hereditary sensory and autonomic, type 2A; Pseudohypoaldosteronism type 2C. Last evaluated: 2025-12-26. Review status: criteria provided, single submitter. Criteria: Invitae Variant Classification Sherloc (09022015). Collection method: clinical testing. Allele origin: germline.
Comment: This sequence change replaces arginine, which is basic and polar, with glutamine, which is neutral and polar, at codon 945 of the WNK1 protein (p.Arg945Gln). This variant is present in population databases (rs773884230, gnomAD 0.05%). This missense change has been observed in individual(s) with clinical features of WNK1-related conditions (internal data). ClinVar contains an entry for this variant (Variation ID: 968032). Invitae Evidence Modeling of protein sequence and biophysical properties (such as structural, functional, and spatial information, amino acid conservation, physicochemical variation, residue mobility, and thermodynamic stability) indicates that this missense variant is not expected to disrupt WNK1 protein function with a negative predictive value of 95%. In summary, the available evidence is currently insufficient to determine the role of this variant in disease. Therefore, it has been classified as a Variant of Uncertain Significance.

GeneDx
Classification: Uncertain significance. Last evaluated: 2024-04-24. Review status: criteria provided, single submitter. Criteria: GeneDx Variant Classification Process June 2021. Collection method: clinical testing. Allele origin: germline.
Comment: In silico analysis indicates that this missense variant does not alter protein structure/function; Has not been previously published as pathogenic or benign to our knowledge

Ambry Genetics
Classification: Uncertain significance for Inborn genetic diseases. Last evaluated: 2019-12-20. Review status: criteria provided, single submitter. Criteria: Ambry Variant Classification Scheme 2023. Collection method: clinical testing. Allele origin: germline.
Comment: The p.R945Q variant (also known as c.2834G>A), located in coding exon 10 of the WNK1 gene, results from a G to A substitution at nucleotide position 2834. The arginine at codon 945 is replaced by glutamine, an amino acid with highly similar properties. This amino acid position is poorly conserved in available vertebrate species. In addition, this alteration is predicted to be tolerated by in silico analysis. Since supporting evidence is limited at this time, the clinical significance of this alteration remains unclear.

NM_213655.5(WNK1):c.2834G>A (p.Arg945Gln)

Gene: WNK1 (WNK lysine deficient protein kinase 1; plus strand). Cytogenetic location: 12p13.33.
Variant type: single nucleotide variant.
Coding change: c.2834G>A on transcript NM_213655.5 (MANE Plus Clinical); coding-DNA position 2834, G replaced by A.
Protein change: p.Arg945Gln; replaces arginine 945 with glutamine.
Molecular consequence: missense variant. On other transcripts: intron variant (2).
Genome position (GRCh38, 1-based): chr12:868,305, G>A. VCF-style: chr12-868305-G-A. GRCh37 (hg19) VCF-style: chr12-977471-G-A.
Other names: c.2579G>A, p.Arg860Gln (NM_001184985.2); c.2140-2960G>A (NM_018979.4, NM_014823.3); short protein forms R945Q, R860Q.
Identifiers: ClinVar variation 968032 (VCV000968032.13), dbSNP rs773884230, ClinGen allele CA6382248.